The following is an entry in ClinVar:

ClinVar aggregate classification (germline): Pathogenic (1 of 4 stars; one submission).

Submission:

Labcorp Genetics (formerly Invitae), Labcorp
Classification: Pathogenic. Last evaluated: 2020-02-29. Review status: criteria provided, single submitter. Criteria: Invitae Variant Classification Sherloc (09022015). Collection method: clinical testing. Allele origin: germline.
Comment: For these reasons, this variant has been classified as Pathogenic. Donor and acceptor splice site variants typically lead to a loss of protein function (PMID: 16199547), and loss-of-function variants in COL2A1 are known to be pathogenic (PMID: 20179744). This sequence change affects an acceptor splice site in intron 10 of the COL2A1 gene. It is expected to disrupt RNA splicing and likely results in an absent or disrupted protein product. This variant is not present in population databases (ExAC no frequency). This variant has been observed in individual(s) with clinical features of COL2A1-related conditions (PMID: 25604898, Invitae). Algorithms developed to predict the effect of sequence changes on RNA splicing suggest that this variant may disrupt the consensus splice site, but this prediction has not been confirmed by published transcriptional studies.

Literature cited by the submitters: PubMed 16199547; PubMed 20179744; PubMed 25604898.

NM_001844.5(COL2A1):c.709-1G>C

Gene: COL2A1 (collagen type II alpha 1 chain; minus strand). Cytogenetic location: 12q13.11.
Variant type: single nucleotide variant.
Coding change: c.709-1G>C on transcript NM_001844.5 (MANE Select); the canonical splice acceptor site of the intron before coding-DNA position 709, G replaced by C.
Molecular consequence: splice acceptor variant.
Genome position (GRCh38, 1-based): chr12:47,995,309, C>G on the plus strand (G>C on the coding strand, the complement: COL2A1 is on the minus strand). VCF-style: chr12-47995309-C-G. GRCh37 (hg19) VCF-style: chr12-48389092-C-G.
Other names: c.502-1G>C (NM_033150.3).
Identifiers: ClinVar variation 1072584 (VCV001072584.9), dbSNP rs2136616554, ClinGen allele CA384523477.